The following is an entry in ClinVar:

NM_198282.4(STING1):c.473G>T (p.Gly158Val)

Gene: STING1 (stimulator of interferon response cGAMP interactor 1; minus strand). Cytogenetic location: 5q31.2.
Variant type: single nucleotide variant.
Coding change: c.473G>T on transcript NM_198282.4 (MANE Select); coding-DNA position 473, G replaced by T.
Protein change: p.Gly158Val; replaces glycine 158 with valine.
Molecular consequence: missense variant.
Genome position (GRCh38, 1-based): chr5:139,480,837, C>A on the plus strand (G>T on the coding strand, the complement: STING1 is on the minus strand). VCF-style: chr5-139480837-C-A. GRCh37 (hg19) VCF-style: chr5-138860422-C-A.
Other names: c.473G>T, p.Gly158Val (NM_001301738.2); c.116G>T, p.Gly39Val (NM_001367258.1); short protein forms G158V, G39V.
Identifiers: ClinVar variation 4531971 (VCV004531971.1).

ClinVar aggregate classification (germline): Likely pathogenic (1 of 4 stars; one submission).

Conditions:
STING-associated vasculopathy with onset in infancy. Also called: Sting-associated vasculopathy, infantile-onset. Identifiers: Orphanet 425120, MedGen C4014722, MONDO:0014405, OMIM 615934.

Submission:

Victorian Clinical Genetics Services, Murdoch Childrens Research Institute
Classification: Likely pathogenic for STING-associated vasculopathy with onset in infancy. Last evaluated: 2024-11-19. Review status: criteria provided, single submitter. Criteria: ACMG Guidelines, 2015. Collection method: clinical testing. Allele origin: germline. Affected: yes.
Comment: This variant is classified as Likely pathogenic. Evidence in support of pathogenic classification: Variant is absent from gnomAD (v2, v3 and v4); Another missense variant comparable to the one identified in this case has limited previous evidence for pathogenicity. p.(Gly158Ala) has been reported as de novo in a heterozygous individual with STING-associated vasculopathy, infantile onset (PMID: 33833757); Missense variant consistently predicted to be damaging by in silico tool or highly conserved with a major amino acid change; Additional information: Variant is predicted to result in a missense amino acid change from glycine to valine; This variant is heterozygous; This gene is associated with autosomal dominant disease. Autosomal dominant is the predominant mode of inheritance for this gene; however, rare cases of autosomal recessive inheritance have been reported in individuals with severe interstitial lung disease and are currently only associated with p.(Arg281Trp) (PMID: 32673614); An alternative amino acid change at the same position has been observed in gnomAD (v4: 7 heterozygote(s), 0 homozygote(s)); This variant has no previous evidence of pathogenicity; No published segregation evidence has been identified for this variant; No published functional evidence has been identified for this variant; Variant is located in the annotated transmembrane protein 173 domain (DECIPHER); Gain of function is a known mechanism of disease in this gene and is associated with STING-associated vasculopathy, infantile-onset (MIM#615934). Missense variants were shown to result in reporter activation (PMID: 25029335); Variants in this gene are known to have variable expressivity. Intrafamilial variability has been reported (PMID: 25401470).

Literature cited by the submitters: PubMed 32673614; PubMed 33833757; PubMed 25401470; PubMed 25029335.